The following is an entry in ClinVar:

ClinVar aggregate classification (germline): Uncertain significance (1 of 4 stars; one submission).

Allele frequency attached by ClinVar (database versions not stated): gnomAD exomes below 0.00001; TOPMed below 0.00001.
gnomAD v4.1: 2 of 1,614,020 alleles (0.00012%); highest among the groups gnomAD compares: Admixed American, 0.0017%; no homozygotes.

Submission:

Labcorp Genetics (formerly Invitae), Labcorp
Classification: Uncertain significance. Last evaluated: 2021-10-03. Review status: criteria provided, single submitter. Criteria: Invitae Variant Classification Sherloc (09022015). Collection method: clinical testing. Allele origin: germline.
Comment: This sequence change replaces serine with asparagine at codon 147 of the KIAA1549 protein (p.Ser147Asn). The serine residue is moderately conserved and there is a small physicochemical difference between serine and asparagine. This variant is not present in population databases (ExAC no frequency). This variant has not been reported in the literature in individuals affected with KIAA1549-related conditions. Algorithms developed to predict the effect of missense changes on protein structure and function are either unavailable or do not agree on the potential impact of this missense change (SIFT: "Deleterious"; PolyPhen-2: "Probably Damaging"; Align-GVGD: "Class C0"). In summary, the available evidence is currently insufficient to determine the role of this variant in disease. Therefore, it has been classified as a Variant of Uncertain Significance.

NM_001164665.2(KIAA1549):c.440G>A (p.Ser147Asn)

Gene: KIAA1549 (KIAA1549; minus strand). Cytogenetic location: 7q34.
Variant type: single nucleotide variant.
Coding change: c.440G>A on transcript NM_001164665.2 (MANE Select); coding-DNA position 440, G replaced by A.
Protein change: p.Ser147Asn; replaces serine 147 with asparagine.
Molecular consequence: missense variant.
Genome position (GRCh38, 1-based): chr7:138,919,186, C>T on the plus strand (G>A on the coding strand, the complement: KIAA1549 is on the minus strand). VCF-style: chr7-138919186-C-T. GRCh37 (hg19) VCF-style: chr7-138603932-C-T.
Other names: c.440G>A, p.Ser147Asn (NM_020910.3); short protein forms S147N.
Identifiers: ClinVar variation 1479487 (VCV001479487.5), dbSNP rs1053608567, ClinGen allele CA167167152.